The following is an entry in ClinVar:

NM_002528.7(NTHL1):c.583G>A (p.Asp195Asn)

Gene: NTHL1 (nth like DNA glycosylase 1; minus strand). Cytogenetic location: 16p13.3.
Variant type: single nucleotide variant.
Coding change: c.583G>A on transcript NM_002528.7 (MANE Select); coding-DNA position 583, G replaced by A.
Protein change: p.Asp195Asn; replaces aspartic acid 195 with asparagine.
Molecular consequence: missense variant.
Genome position (GRCh38, 1-based): chr16:2,043,669, C>T on the plus strand (G>A on the coding strand, the complement: NTHL1 is on the minus strand). VCF-style: chr16-2043669-C-T. GRCh37 (hg19) VCF-style: chr16-2093670-C-T.
Other names: c.412G>A, p.Asp138Asn (NM_001318193.2); c.253G>A, p.Asp85Asn (NM_001318194.2); c.583G>A, p.Asp195Asn (LRG_1366t1); short protein forms D138N, D195N, D85N.
Identifiers: ClinVar variation 657748 (VCV000657748.18), dbSNP rs765358651, ClinGen allele CA7828198.
Genomic context (GRCh38, chr16:2,043,669, plus strand): 5'-GTGCCATCTTGGGCCCAACACCCGGCAGCGCCACCAGCTCGGCCACAGAGGCTGGGATGT[C>T]CCCACCGTAGTGCTGCTGCAGGATGGCGCTGGTCTGCTTGATGTATTTCACCTTGCTCTG-3'
Protein context (NP_002519.2, residues 185-205): SAILQQHYGG[Asp195Asn]IPASVAELVA

ClinVar aggregate classification (germline): Uncertain significance. Review status: criteria provided, multiple submitters, no conflicts (2 of 4 stars). 6 submissions from 6 submitters: Uncertain significance (6). Last evaluated 2026-01-13.

Conditions:
Hereditary cancer-predisposing syndrome. Also called: Tumor predisposition; Neoplastic Syndromes, Hereditary; Hereditary Cancer Syndrome; Hereditary neoplastic syndrome. Identifiers: Orphanet 140162, MedGen C0027672, MeSH D009386, MONDO:0015356.
Familial adenomatous polyposis 3. Also called: NTHL1-Related Adenomatous Polyposis and Colorectal Cancer; NTHL1-associated polyposis; NTHL1-related attenuated familial adenomatous polyposis; NTHL1 Tumor Syndrome. Identifiers: Orphanet 220460, Orphanet 454840, MedGen C4225157, MONDO:0014630, OMIM 616415.

Allele frequency attached by ClinVar (database versions not stated): gnomAD 0.00001; ExAC 0.00002; gnomAD exomes 0.00002 and 0.00003; TOPMed 0.00004.
gnomAD v4.1: 42 of 1,611,946 alleles (0.0026%); highest among the groups gnomAD compares: Middle Eastern, 0.049%; no homozygotes.

Submissions (6):

Labcorp Genetics (formerly Invitae), Labcorp
Classification: Uncertain significance. Last evaluated: 2026-01-13. Review status: criteria provided, single submitter. Criteria: Invitae Variant Classification Sherloc (09022015). Collection method: clinical testing. Allele origin: germline.
Comment: This sequence change replaces aspartic acid, which is acidic and polar, with asparagine, which is neutral and polar, at codon 203 of the NTHL1 protein (p.Asp203Asn). The frequency data for this variant in the population databases is considered unreliable, as metrics indicate poor data quality at this position in the gnomAD database. This missense change has been observed in individual(s) with breast cancer (PMID: 33980861). ClinVar contains an entry for this variant (Variation ID: 657748). An algorithm developed to predict the effect of missense changes on protein structure and function (PolyPhen-2) suggests that this variant is likely to be disruptive. In summary, the available evidence is currently insufficient to determine the role of this variant in disease. Therefore, it has been classified as a Variant of Uncertain Significance.

Ambry Genetics
Classification: Uncertain significance for Hereditary cancer-predisposing syndrome. Last evaluated: 2025-07-28. Review status: criteria provided, single submitter. Criteria: Ambry Variant Classification Scheme 2023. Collection method: clinical testing. Allele origin: germline.
Comment: The p.D203N variant (also known as c.607G>A), located in coding exon 4 of the NTHL1 gene, results from a G to A substitution at nucleotide position 607. The aspartic acid at codon 203 is replaced by asparagine, an amino acid with highly similar properties. This amino acid position is highly conserved in available vertebrate species. In addition, this alteration is predicted to be tolerated by in silico analysis. Since supporting evidence is limited at this time, the clinical significance of this alteration remains unclear.

Quest Diagnostics Nichols Institute San Juan Capistrano
Classification: Uncertain significance. Last evaluated: 2025-06-04. Review status: criteria provided, single submitter. Criteria: Quest Diagnostics criteria. Collection method: clinical testing. Allele origin: unknown.
Comment: The NTHL1 c.607G>A (p.Asp203Asn) variant has been reported in the published literature in an individual with breast cancer (PMID: 33980861 (2021)). The frequency of this variant in the general population (Genome Aggregation Database) is uninformative in the assessment of its pathogenicity. Analysis of this variant using bioinformatics tools for the prediction of the effect of amino acid changes on protein structure and function yielded predictions that this variant is damaging. Based on the available information, we are unable to determine the clinical significance of this variant.

Molecular Pathology, Peter Maccallum Cancer Centre
Classification: Uncertain significance for Familial adenomatous polyposis 3. Last evaluated: 2025-01-28. Review status: criteria provided, single submitter. Criteria: ACMG Guidelines, 2015. Collection method: clinical testing. Allele origin: germline. Inheritance: Autosomal recessive inheritance.

Fulgent Genetics
Classification: Uncertain significance for Familial adenomatous polyposis 3. Last evaluated: 2024-06-14. Review status: criteria provided, single submitter. Criteria: ACMG Guidelines, 2015. Collection method: clinical testing. Allele origin: germline.

Baylor Genetics
Classification: Uncertain significance for Familial adenomatous polyposis 3. Last evaluated: 2024-03-21. Review status: criteria provided, single submitter. Criteria: ACMG Guidelines, 2015. Collection method: clinical testing. Allele origin: unknown.

Literature cited by the submitters: PubMed 33980861 (cited by Labcorp Genetics (formerly Invitae), Labcorp and Quest Diagnostics Nichols Institute San Juan Capistrano).